The following continues an entry in ClinVar:

NM_007294.4(BRCA1):c.4603G>T (p.Glu1535Ter)

Gene: BRCA1. ClinVar aggregate classification (germline): Pathogenic. Pathogenic (1).

Submissions 10 to 17 of 17:

Baylor Genetics
Classification: Pathogenic for Breast-ovarian cancer, familial, susceptibility to, 1. Last evaluated: 2023-03-22. Review status: criteria provided, single submitter. Criteria: ACMG Guidelines, 2015. Collection method: clinical testing. Allele origin: unknown. Not counted in ClinVar's aggregate classification.

Laboratory for Molecular Medicine, Mass General Brigham Personalized Medicine
Classification: Pathogenic for Hereditary breast ovarian cancer syndrome. Last evaluated: 2021-07-15. Review status: criteria provided, single submitter. Criteria: ACMG Guidelines, 2015. Collection method: clinical testing. Allele origin: germline. Not counted in ClinVar's aggregate classification.
Comment: The p.Glu1535X variant in BRCA1 has been previously reported in at least 9 individuals with BRCA2-associated cancers (Schorge 2001 PMID:11606101, Ozcelik 2003 PMID:12920083, Pennington 2013 PMID:22811390, Dodova 2015 PMID:26183948, Rummel 2017 PMID:28503720, Breast Cancer Information Core (BIC) database:, ClinVar Variation ID 55236) and in at least 3 individuals with a family history of breast and ovarian cancer (HBOC) that had undergone clinical genetic testing (Barrington 2018 PMID: 29486991, Rebbeck 2018 PMID: 29446198). It has also been identified in 0.005% (2/41454) African/African American chromosomes by gnomAD (v.3.1). This frequency is low enough to be consistent with the frequency of HBOC in the general population. This nonsense variant leads to a premature termination codon at position 1535, which is predicted to lead to a truncated or absent protein. Heterozygous loss of function of the BRCA1 gene is an established disease mechanism in individuals with HBOC. Additionally, this variant was classified as pathogenic on Sept 08, 2016 by the ClinGen-approved ENIGMA expert panel (ClinVar SCV000300141.2). In summary, this variant meets criteria to be classified as pathogenic for autosomal dominant HBOC. ACMG/AMP Criteria applied: PS4_Moderate, PM2_Supporting, PVS1.

Human Genome Sequencing Center Clinical Lab, Baylor College of Medicine
Classification: Pathogenic for Familial breast-ovarian cancer 1. Last evaluated: 2018-10-02. Review status: criteria provided, single submitter. Criteria: ACMG Guidelines, 2015. Collection method: clinical testing. Allele origin: germline. Not counted in ClinVar's aggregate classification.
Comment: This c.4603G>T (p.Glu1535*) variant in the BRCA1 gene is predicted to introduce a premature translation termination codon. This variant is absent in the general population according to the gnomAD database. It has been reported in several unrelated patients with breast cancer or ovary cancer [PMID: 11606101, 22811390].Therefore, the c.4603G>T (p.Glu1535*) variant in the BRCA1 gene is classified as pathogenic.

Baylor Genetics
Classification: Pathogenic for Familial cancer of breast. Last evaluated: 2017-02-23. Review status: criteria provided, single submitter. Criteria: ACMG Guidelines, 2015. Collection method: clinical testing. Allele origin: germline. Inheritance: Autosomal dominant inheritance. Affected: yes. Observed: 1 variant allele. Not counted in ClinVar's aggregate classification.

Consortium of Investigators of Modifiers of BRCA1/2 (CIMBA), c/o University of Cambridge
Classification: Pathogenic for Breast-ovarian cancer, familial, susceptibility to, 1. Last evaluated: 2015-10-02. Review status: criteria provided, single submitter. Criteria: CIMBA Mutation Classification guidelines May 2016. Collection method: clinical testing. Allele origin: germline. Not counted in ClinVar's aggregate classification.

Research Molecular Genetics Laboratory, Women's College Hospital, University of Toronto
Classification: Pathogenic for Hereditary breast ovarian cancer syndrome. Last evaluated: 2014-01-31. Review status: no assertion criteria provided. Collection method: research. Allele origin: germline. Affected: yes. Study: The Canadian Open Genetics Repository (COGR). Not counted in ClinVar's aggregate classification.

Sharing Clinical Reports Project (SCRP)
Classification: Pathogenic for Breast-ovarian cancer, familial 1. Last evaluated: 2012-09-25. Review status: no assertion criteria provided. Collection method: clinical testing. Allele origin: germline. Not counted in ClinVar's aggregate classification.

Breast Cancer Information Core (BIC) (BRCA1)
Classification: Pathogenic for Breast-ovarian cancer, familial 1. Last evaluated: 2002-05-29. Review status: no assertion criteria provided. Collection method: clinical testing. Allele origin: germline. Affected: yes. Observed: 4 variant alleles. Not counted in ClinVar's aggregate classification.

Literature cited by the submitters: PubMed 20104584 (cited by Labcorp Genetics (formerly Invitae), Labcorp); PubMed 11606101 (cited by 7 submitters); PubMed 22811390 (cited by 6 submitters); PubMed 26183948 (cited by 6 submitters); PubMed 28503720 (cited by 6 submitters); PubMed 23192404 (cited by Women's Health and Genetics/Laboratory Corporation of America, LabCorp and Ambry Genetics); PubMed 23096355 (cited by 3 submitters); PubMed 12920083 (cited by Women's Health and Genetics/Laboratory Corporation of America, LabCorp and Laboratory for Molecular Medicine, Mass General Brigham Personalized Medicine); PubMed 29446198 (cited by 3 submitters); PubMed 29486991 (cited by Ambry Genetics and Laboratory for Molecular Medicine, Mass General Brigham Personalized Medicine).